The following is an entry in ClinVar:

NM_000077.5(CDKN2A):c.220G>A (p.Asp74Asn)

Gene: CDKN2A (cyclin dependent kinase inhibitor 2A; minus strand). Cytogenetic location: 9p21.3.
Variant type: single nucleotide variant.
Coding change: c.220G>A on transcript NM_000077.5; coding-DNA position 220, G replaced by A.
Protein change: p.Asp74Asn; replaces aspartic acid 74 with asparagine.
Molecular consequence: missense variant (on NM_000077.6). On other transcripts: 3 prime UTR variant (1).
Genome position (GRCh38, 1-based): chr9:21,971,139, C>T on the plus strand (G>A on the coding strand, the complement: CDKN2A is on the minus strand). VCF-style: chr9-21971139-C-T. GRCh37 (hg19) VCF-style: chr9-21971138-C-T.
Other names: c.220G>A, p.Asp74Asn (NM_000077.6, NM_001195132.2); c.67G>A, p.Asp23Asn (NM_001363763.2); c.263G>A, p.Arg88Gln (NM_058195.4); c.*143G>A (NM_058197.5); short protein forms D74N, R88Q, D23N.
Identifiers: ClinVar variation 483340 (VCV000483340.13), dbSNP rs760640852, ClinGen allele CA373086301.

ClinVar aggregate classification (germline): Uncertain significance. Review status: criteria provided, multiple submitters, no conflicts (2 of 4 stars). 2 submissions from 2 submitters: Uncertain significance (2). Last evaluated 2024-08-28.

Conditions:
Hereditary cancer-predisposing syndrome. Also called: Tumor predisposition; Hereditary Cancer Syndrome; Neoplastic Syndromes, Hereditary; Hereditary neoplastic syndrome. Identifiers: Orphanet 140162, MedGen C0027672, MeSH D009386, MONDO:0015356.
Familial melanoma. Also called: Hereditary melanoma; Hereditary cutaneous melanoma. Identifiers: Orphanet 618, MedGen C1512419, MONDO:0018961.

Allele frequency attached by ClinVar (database versions not stated): gnomAD exomes below 0.00001.
gnomAD v4.1: 1 of 1,590,804 alleles (0.000063%); highest among the groups gnomAD compares: Admixed American, 0.0017%; no homozygotes.

Submissions (2):

Labcorp Genetics (formerly Invitae), Labcorp
Classification: Uncertain significance for Familial melanoma. Last evaluated: 2024-08-28. Review status: criteria provided, single submitter. Criteria: Invitae Variant Classification Sherloc (09022015). Collection method: clinical testing. Allele origin: germline.
Comment: The CDKN2A gene encodes two different proteins, p16INK4a and p14ARF, which are translated from alternative transcripts with different open reading frames. Both transcripts have been analyzed. We report either the variant with the higher classification or default to the CDKN2A (p16INK4a) variant. This report therefore includes the details for the CDKN2A (p16INK4a) variant. This sequence change replaces aspartic acid, which is acidic and polar, with asparagine, which is neutral and polar, at codon 74 of the CDKN2A (p16INK4a) protein (p.Asp74Asn). This variant is not present in population databases (gnomAD no frequency). This variant has not been reported in the literature in individuals affected with CDKN2A (p16INK4a)-related conditions. This variant is also known as c.263G>A (p.Arg88Gln) in the CDKN2A (p14ARF) transcript. ClinVar contains an entry for this variant (Variation ID: 483340). An algorithm developed to predict the effect of missense changes on protein structure and function (PolyPhen-2) suggests that this variant is likely to be disruptive. Experimental studies have shown that this missense change affects CDKN2A (p16INK4a) function (PMID: 7777061, 12606942). In summary, the available evidence is currently insufficient to determine the role of this variant in disease. Therefore, it has been classified as a Variant of Uncertain Significance.

Ambry Genetics
Classification: Uncertain significance for Hereditary cancer-predisposing syndrome. Last evaluated: 2022-09-02. Review status: criteria provided, single submitter. Criteria: Ambry Variant Classification Scheme 2023. Collection method: clinical testing. Allele origin: germline.
Comment: The p.D74N variant (also known as c.220G>A), located in coding exon 2 of the CDKN2A gene, results from a G to A substitution at nucleotide position 220. The aspartic acid at codon 74 is replaced by asparagine, an amino acid with highly similar properties. This alteration has been reported in the literature as a somatic alteration in bladder and esophageal cell lines, as well as in a patient with Barrett&rsquo;s esophagus (Foulkes WD et al. Mol. Med., 1997 Jan;3:5-20; Pollock PM et al. Genes Chromosomes Cancer, 1996 Feb;15:77-88; Paulson TG et al. PLoS ONE, 2008 Nov;3:e3809). A structural analysis of this alteration has shown it results in significantly disrupted secondary structural integrity (Zhang B et al. J. Biol. Chem., 1996 Nov;271:28734-7). Protein functional studied showed that this variant results in defects in kinase inhibition and cell cycle arrest (Yarbrough WG et al. J. Natl. Cancer Inst., 1999 Sep;91:1569-74; Koh K et al. Nature 1995 Jun;375(6531):506-10). This amino acid position is highly conserved in available vertebrate species. In addition, the in silico prediction for this alteration is inconclusive. Since supporting evidence is limited at this time, the clinical significance of this alteration remains unclear.

Literature cited by the submitters: PubMed 7777061 (cited by Labcorp Genetics (formerly Invitae), Labcorp and Ambry Genetics); PubMed 12606942 (cited by Labcorp Genetics (formerly Invitae), Labcorp); PubMed 10491434 (cited by Ambry Genetics); PubMed 19043591 (cited by Ambry Genetics); PubMed 8834170 (cited by Ambry Genetics); PubMed 8910511 (cited by Ambry Genetics); PubMed 9132280 (cited by Ambry Genetics).